The following is an entry in ClinVar:

NM_022167.4(XYLT2):c.2478_2479del (p.Ala827fs)

Gene: XYLT2 (xylosyltransferase 2; plus strand). Cytogenetic location: 17q21.33.
Variant type: Microsatellite.
Coding change: c.2478_2479del on transcript NM_022167.4 (MANE Select); coding-DNA positions 2478 to 2479, 2 bases deleted (TG; older notation c.2478_2479delTG).
Protein change: p.Ala827fs; shifts the reading frame from alanine 827.
Molecular consequence: frameshift variant.
Genome position (GRCh38, 1-based): chr17:50,360,171-50,360,172, TG deleted; deleting any 2 consecutive bases within chr17:50,360,167-50,360,172 gives the same sequence; the c. name uses the placement nearest the transcript's 3' end. VCF-style (leftmost placement, unchanged base first): chr17-50360166-CTG-C. GRCh37 (hg19) VCF-style: chr17-48437527-CTG-C.
Other names: short protein forms A827fs.
Identifiers: ClinVar variation 2755688 (VCV002755688.3), dbSNP rs2543964027, ClinGen allele CA2697560270.
Genomic context (GRCh38, chr17:50,360,166, plus strand): 5'-GGCCCTGCGCTCGAGGCCTGGACAGACAGGGAACTGAGCAGCTTCTGGTCCGTGGCTGGA[CTG>C]TGTGCCATAGGCCCCTCTCCCTGCCCCTCCCTGGAGCCCTGCAGACTGACCAGCTGGAGC-3'

ClinVar aggregate classification (germline): Pathogenic (1 of 4 stars; one submission).

Submission:

Labcorp Genetics (formerly Invitae), Labcorp
Classification: Pathogenic. Last evaluated: 2023-08-27. Review status: criteria provided, single submitter. Criteria: Invitae Variant Classification Sherloc (09022015). Collection method: clinical testing. Allele origin: germline.
Comment: This variant disrupts a region of the XYLT2 protein in which other variant(s) (p.Arg840Thrfs*115 ) have been determined to be pathogenic (PMID: 30891060). This suggests that this is a clinically significant region of the protein, and that variants that disrupt it are likely to be disease-causing. For these reasons, this variant has been classified as Pathogenic. This variant has not been reported in the literature in individuals affected with XYLT2-related conditions. This variant is not present in population databases (gnomAD no frequency). This sequence change results in a frameshift in the XYLT2 gene (p.Ala827Hisfs*128). While this is not anticipated to result in nonsense mediated decay, it is expected to disrupt the last 39 amino acid(s) of the XYLT2 protein and extend the protein by 88 additional amino acid residues.

Literature cited by the submitters: PubMed 30891060.